The following is an entry in ClinVar:

NM_001130438.3(SPTAN1):c.5867T>A (p.Met1956Lys)

Gene: SPTAN1 (spectrin alpha, non-erythrocytic 1; plus strand). Cytogenetic location: 9q34.11.
Variant type: single nucleotide variant.
Coding change: c.5867T>A on transcript NM_001130438.3 (MANE Select); coding-DNA position 5867, T replaced by A.
Protein change: p.Met1956Lys; replaces methionine 1956 with lysine.
Molecular consequence: missense variant.
Genome position (GRCh38, 1-based): chr9:128,624,362, T>A. VCF-style: chr9-128624362-T-A. GRCh37 (hg19) VCF-style: chr9-131386641-T-A.
Other names: c.5792T>A, p.Met1931Lys (NM_001195532.2); c.5867T>A, p.Met1956Lys (NM_001363759.2, NM_001375310.1, NM_001375311.2 and 1 more transcripts); c.5807T>A, p.Met1936Lys (NM_001363765.2, NM_001375314.2); c.5903T>A, p.Met1968Lys (NM_001375312.2, NM_001375318.1); c.5852T>A, p.Met1951Lys (NM_003127.4); short protein forms M1951K, M1956K, M1931K, M1936K, M1968K.
Identifiers: ClinVar variation 3018697 (VCV003018697.3), dbSNP rs878854246, ClinGen allele CA375082022.

ClinVar aggregate classification (germline): Uncertain significance (1 of 4 stars; one submission).

Conditions:
Early-infantile DEE. Also called: Early infantile epileptic encephalopathy with suppression bursts; Early infantile epileptic encephalopathy; Ohtahara syndrome. Identifiers: Orphanet 1934, MedGen C0393706, MONDO:0800491.

Submission:

Labcorp Genetics (formerly Invitae), Labcorp
Classification: Uncertain significance for Early-infantile DEE. Last evaluated: 2023-10-22. Review status: criteria provided, single submitter. Criteria: Invitae Variant Classification Sherloc (09022015). Collection method: clinical testing. Allele origin: germline.
Comment: This sequence change replaces methionine, which is neutral and non-polar, with lysine, which is basic and polar, at codon 1956 of the SPTAN1 protein (p.Met1956Lys). This variant is not present in population databases (gnomAD no frequency). This variant has not been reported in the literature in individuals affected with SPTAN1-related conditions. Advanced modeling of protein sequence and biophysical properties (such as structural, functional, and spatial information, amino acid conservation, physicochemical variation, residue mobility, and thermodynamic stability) has been performed at Invitae for this missense variant, however the output from this modeling did not meet the statistical confidence thresholds required to predict the impact of this variant on SPTAN1 protein function. In summary, the available evidence is currently insufficient to determine the role of this variant in disease. Therefore, it has been classified as a Variant of Uncertain Significance.